The following is an entry in ClinVar:

NM_182746.3(MCM4):c.2137G>A (p.Ala713Thr)

Gene: MCM4 (minichromosome maintenance complex component 4; plus strand). Cytogenetic location: 8q11.21.
Variant type: single nucleotide variant.
Coding change: c.2137G>A on transcript NM_182746.3 (MANE Select); coding-DNA position 2137, G replaced by A.
Protein change: p.Ala713Thr; replaces alanine 713 with threonine.
Molecular consequence: missense variant.
Genome position (GRCh38, 1-based): chr8:47,974,734, G>A. VCF-style: chr8-47974734-G-A. GRCh37 (hg19) VCF-style: chr8-48887294-G-A.
Other names: c.2137G>A (NM_005914.3); c.2137G>A, p.Ala713Thr (NM_005914.4); short protein forms A713T.
Identifiers: ClinVar variation 1405984 (VCV001405984.9), dbSNP rs200805704, ClinGen allele CA4742836.
Genomic context (GRCh38, chr8:47,974,734, plus strand): 5'-CAAAACTAAAGTTGTCACCAAGGAGGTTTGCTTTTGCTTTTGTTTTTCTACCTACAATAG[G>A]CTTATGTAGACATGAGGAAGATTGGCAGTAGCCGGGGAATGGTTTCTGCATACCCTCGAC-3'
Protein context (NP_877423.1, residues 703-723): SEEASQALIE[Ala713Thr]YVDMRKIGSS

ClinVar aggregate classification (germline): Uncertain significance. Review status: criteria provided, multiple submitters, no conflicts (2 of 4 stars). 2 submissions from 2 submitters: Uncertain significance (2). Last evaluated 2026-01-20.

Allele frequency attached by ClinVar (database versions not stated): gnomAD exomes 0.00002 and 0.00009; ExAC 0.00005; gnomAD 0.00005; TOPMed 0.00007; 1000 Genomes Project 0.00020; 1000 Genomes Project 30x 0.00031.
gnomAD v4.1: 44 of 1,612,706 alleles (0.0027%); highest among the groups gnomAD compares: Admixed American, 0.057%; no homozygotes.

Submissions (2):

Labcorp Genetics (formerly Invitae), Labcorp
Classification: Uncertain significance. Last evaluated: 2026-01-20. Review status: criteria provided, single submitter. Criteria: Invitae Variant Classification Sherloc (09022015). Collection method: clinical testing. Allele origin: germline.
Comment: This sequence change replaces alanine, which is neutral and non-polar, with threonine, which is neutral and polar, at codon 713 of the MCM4 protein (p.Ala713Thr). This variant is present in population databases (rs200805704, gnomAD 0.05%). This variant has not been reported in the literature in individuals affected with MCM4-related conditions. ClinVar contains an entry for this variant (Variation ID: 1405984). An algorithm developed to predict the effect of missense changes on protein structure and function (PolyPhen-2) suggests that this variant is likely to be disruptive. In summary, the available evidence is currently insufficient to determine the role of this variant in disease. Therefore, it has been classified as a Variant of Uncertain Significance.

Ambry Genetics
Classification: Uncertain significance. Last evaluated: 2025-04-03. Review status: criteria provided, single submitter. Criteria: Ambry Variant Classification Scheme 2023. Collection method: clinical testing. Allele origin: germline.